The following is an entry in ClinVar:

ClinVar aggregate classification (germline): Uncertain significance (1 of 4 stars; one submission).

Conditions:
Brown-Vialetto-van Laere syndrome 2. Also called: Riboflavin transporter deficiency type 2; SPINOCEREBELLAR ATAXIA WITH BLINDNESS AND DEAFNESS 2. Identifiers: Orphanet 572543, Orphanet 97229, MedGen C3553538, MONDO:0013867, OMIM 614707.

Allele frequency attached by ClinVar (database versions not stated): ExAC 0.00001.

Submission:

Labcorp Genetics (formerly Invitae), Labcorp
Classification: Uncertain significance for Brown-Vialetto-van Laere syndrome 2. Last evaluated: 2023-04-27. Review status: criteria provided, single submitter. Criteria: Invitae Variant Classification Sherloc (09022015). Collection method: clinical testing. Allele origin: germline.
Comment: In summary, the available evidence is currently insufficient to determine the role of this variant in disease. Therefore, it has been classified as a Variant of Uncertain Significance. Advanced modeling of protein sequence and biophysical properties (such as structural, functional, and spatial information, amino acid conservation, physicochemical variation, residue mobility, and thermodynamic stability) performed at Invitae indicates that this missense variant is not expected to disrupt SLC52A2 protein function. This variant has not been reported in the literature in individuals affected with SLC52A2-related conditions. This variant is present in population databases (rs781864328, gnomAD 0.009%). This sequence change replaces proline, which is neutral and non-polar, with serine, which is neutral and polar, at codon 266 of the SLC52A2 protein (p.Pro266Ser).

NM_001363118.2(SLC52A2):c.796C>T (p.Pro266Ser)

Gene: SLC52A2 (solute carrier family 52 member 2; plus strand). Cytogenetic location: 8q24.3.
Variant type: single nucleotide variant.
Coding change: c.796C>T on transcript NM_001363118.2 (MANE Select); coding-DNA position 796, C replaced by T.
Protein change: p.Pro266Ser; replaces proline 266 with serine.
Molecular consequence: missense variant. On other transcripts: non-coding transcript variant (1).
Genome position (GRCh38, 1-based): chr8:144,360,288, C>T. VCF-style: chr8-144360288-C-T. GRCh37 (hg19) VCF-style: chr8-145583948-C-T.
Other names: c.796C>T, p.Pro266Ser (NM_001253815.2, NM_001253816.2, NM_001363120.2 and 2 more transcripts); c.304C>T, p.Pro102Ser (NM_001363122.2); c.532C>T, p.Pro178Ser (NM_001410949.1); short protein forms P102S, P178S, P266S.
Identifiers: ClinVar variation 2995391 (VCV002995391.3), dbSNP rs781864328, ClinGen allele CA4938278.